The following is an entry in ClinVar:

NM_024334.3(TMEM43):c.669C>G (p.Asp223Glu)

Gene: TMEM43 (transmembrane protein 43; plus strand). Cytogenetic location: 3p25.1.
Variant type: single nucleotide variant.
Coding change: c.669C>G on transcript NM_024334.3 (MANE Select); coding-DNA position 669, C replaced by G.
Protein change: p.Asp223Glu; replaces aspartic acid 223 with glutamic acid.
Molecular consequence: missense variant.
Genome position (GRCh38, 1-based): chr3:14,134,855, C>G. VCF-style: chr3-14134855-C-G. GRCh37 (hg19) VCF-style: chr3-14176355-C-G.
Other names: c.672C>G, p.Asp224Glu (NM_001407274.1); c.669C>G, p.Asp223Glu (NM_001407275.1, NM_001407276.1, NM_001407277.1 and 1 more transcripts); c.654C>G, p.Asp218Glu (NM_001407278.1); c.519C>G, p.Asp173Glu (NM_001407280.1); short protein forms D173E, D218E, D223E, D224E.
Identifiers: ClinVar variation 3070358 (VCV003070358.1), dbSNP rs2470188067, ClinGen allele CA351535600.

ClinVar aggregate classification (germline): Uncertain significance (1 of 4 stars; one submission).

Conditions:
Arrhythmogenic right ventricular dysplasia 5. Also called: Arrhythmogenic Right Ventricular Dysplasia/Cardiomyopathy 5; ARRHYTHMOGENIC RIGHT VENTRICULAR DYSPLASIA, FAMILIAL, 5. Identifiers: MedGen C1858379, MONDO:0011459, OMIM 604400.

Allele frequency attached by ClinVar (database versions not stated): gnomAD exomes below 0.00001.
gnomAD v4.1: 1 of 1,614,188 alleles (0.000062%); highest among the groups gnomAD compares: South Asian, 0.0011%; no homozygotes.

Submission:

All of Us Research Program, National Institutes of Health
Classification: Uncertain significance for Arrhythmogenic right ventricular dysplasia 5. Last evaluated: 2023-04-10. Review status: criteria provided, single submitter. Criteria: ACMG Guidelines, 2015. Collection method: clinical testing. Allele origin: germline. Inheritance: Autosomal dominant inheritance. Observed: 1 variant allele, 1 heterozygote.
Comment: This missense variant replaces aspartic acid with glutamic acid at codon 223 of the TMEM43 protein. Computational prediction suggests that this variant may not impact protein structure and function (internally defined REVEL score threshold <= 0.5, PMID: 27666373). To our knowledge, functional studies have not been reported for this variant. This variant has not been reported in individuals affected with TMEM43-related disorders in the literature. This variant has not been identified in the general population by the Genome Aggregation Database (gnomAD). The available evidence is insufficient to determine the role of this variant in disease conclusively. Therefore, this variant is classified as a Variant of Uncertain Significance.

This study involves interpretation of variants in research participants for the purpose of population health screening. Participant phenotype was not available at the time of variant classification. Additional details can be found in publication PMID: 35346344, PMCID: PMC8962531